The following is an entry in ClinVar:

NM_000492.4(CFTR):c.42del (p.Lys14fs)

Gene: CFTR (CF transmembrane conductance regulator; plus strand). Cytogenetic location: 7q31.2.
Variant type: Deletion.
Coding change: c.42del on transcript NM_000492.4 (MANE Select); coding-DNA position 42, one base deleted (A; older notation c.42delA).
Protein change: p.Lys14fs; shifts the reading frame from lysine 14.
Molecular consequence: frameshift variant.
Genome position (GRCh38, 1-based): chr7:117,480,136, A deleted; the last of 3 consecutive A bases (chr7:117,480,134-117,480,136); deleting any one gives the same sequence. VCF-style (leftmost placement, unchanged base first): chr7-117480133-CA-C. GRCh37 (hg19) VCF-style: chr7-117120187-CA-C.
Other names: 174delA; c.42delA (NM_000492.3); short protein forms K14fs.
Identifiers: ClinVar variation 53939 (VCV000053939.3), dbSNP rs397508710, ClinGen allele CA327476.
Genomic context (GRCh38, chr7:117,480,133, plus strand): 5'-GGACCCCAGCGCCCGAGAGACCATGCAGAGGTCGCCTCTGGAAAAGGCCAGCGTTGTCTC[CA>C]AACTTTTTTTCAGGTGAGAAGGTGGCCAACCGAGCTTCGGAAAGACACGTGCCCACGAAA-3'

ClinVar aggregate classification (germline): Pathogenic/Likely pathogenic. Review status: criteria provided, multiple submitters, no conflicts (2 of 4 stars). 3 submissions from 3 submitters: Pathogenic (1); Likely pathogenic (1). 1 of the submissions does not count toward it. Last evaluated 2025-12-15.

Conditions:
CFTR-related disorder (CFTR-RD). Also called: CFTR-related disorders; CFTR-related condition. Identifiers: MedGen C5924204, MONDO:7770004.
Cystic fibrosis (CF). Also called: MUCOVISCIDOSIS. Identifiers: Orphanet 586, MedGen C0010674, MONDO:0009061, OMIM 219700. Disease mechanism: loss of function.

Submissions (3):

Natera, Inc.
Classification: Pathogenic for CFTR-related disorders. Last evaluated: 2025-12-15. Review status: criteria provided, single submitter. Criteria: Natera Variant Classification Schema (03/2026). Collection method: clinical testing. Allele origin: germline.
Comment: The c.42delA variant in CFTR is a frameshift variant predicted to shift the reading frame beginning at codon 14 and leads to a stop codon 11 codons downstream. This variant is expected to result in nonsense mediated decay, truncation, or a dysfunctional protein product. This variant is rare in the general population with a frequency below the threshold expected for the associated phenotype(s). This variant has been observed in one or more individuals affected with the associated recessive disease, as either homozygous or compound heterozygous with a second variant (PMID: 35633718). Given the available evidence, this variant is classified as Pathogenic.

Institute of Human Genetics, University of Leipzig Medical Center
Classification: Likely pathogenic for Cystic fibrosis. Last evaluated: 2022-09-05. Review status: criteria provided, single submitter. Criteria: ACMG Guidelines, 2015. Collection method: curation. Allele origin: unknown. Affected: yes. Observed: 4 variant alleles.
Comment: This variant was identified in 4 unrelated patients with a clinically confirmed diagnosis of cystic fibrosis. The variant was classified in the context of a project re-classifying variants in the German Cystic Fibrosis Registry (Muko.e.V.). Criteria applied: PVS1_STR, PM2_SUP, PM3, PP4

ClinVar Staff, National Center for Biotechnology Information (NCBI)
No classification provided. Condition: CFTR-related disorders. Review status: no classification provided. Collection method: literature only. Allele origin: germline. Affected: yes. Not counted in ClinVar's aggregate classification.

Literature cited by the submitters: PubMed 35633718 (cited by Natera, Inc.); PubMed 9272157 (cited by ClinVar Staff, National Center for Biotechnology Information (NCBI)).